The following is an entry in ClinVar:

ClinVar aggregate classification (germline): Uncertain significance (1 of 4 stars; one submission).

Submission:

Labcorp Genetics (formerly Invitae), Labcorp
Classification: Uncertain significance. Last evaluated: 2024-10-24. Review status: criteria provided, single submitter. Criteria: Invitae Variant Classification Sherloc (09022015). Collection method: clinical testing. Allele origin: germline.
Comment: This sequence change replaces glutamic acid, which is acidic and polar, with glutamine, which is neutral and polar, at codon 891 of the KIAA0556 protein (p.Glu891Gln). This variant is not present in population databases (gnomAD no frequency). This variant has not been reported in the literature in individuals affected with KIAA0556-related conditions. ClinVar contains an entry for this variant (Variation ID: 1959938). An algorithm developed to predict the effect of missense changes on protein structure and function (PolyPhen-2) suggests that this variant is likely to be tolerated. In summary, the available evidence is currently insufficient to determine the role of this variant in disease. Therefore, it has been classified as a Variant of Uncertain Significance.

NM_015202.5(KATNIP):c.2671G>C (p.Glu891Gln)

Gene: KATNIP (katanin interacting protein; plus strand). Cytogenetic location: 16p12.1.
Variant type: single nucleotide variant.
Coding change: c.2671G>C on transcript NM_015202.5 (MANE Select); coding-DNA position 2671, G replaced by C.
Protein change: p.Glu891Gln; replaces glutamic acid 891 with glutamine.
Molecular consequence: missense variant.
Genome position (GRCh38, 1-based): chr16:27,749,631, G>C. VCF-style: chr16-27749631-G-C. GRCh37 (hg19) VCF-style: chr16-27760952-G-C.
Other names: short protein forms E891Q.
Identifiers: ClinVar variation 1959938 (VCV001959938.5), dbSNP rs892720055, ClinGen allele CA395324651.